The following is an entry in ClinVar:

ClinVar aggregate classification (germline): Uncertain significance (1 of 4 stars; one submission).

Conditions:
Anauxetic dysplasia. Identifiers: Orphanet 93347, MedGen C1846796, MONDO:0011773.

Submission:

Labcorp Genetics (formerly Invitae), Labcorp
Classification: Uncertain significance for Anauxetic dysplasia. Last evaluated: 2025-10-14. Review status: criteria provided, single submitter. Criteria: Invitae Variant Classification Sherloc (09022015). Collection method: clinical testing. Allele origin: germline.
Comment: This variant occurs in the RMRP gene, which encodes an RNA molecule that does not result in a protein product. This variant is not present in population databases (gnomAD no frequency). This variant has not been reported in the literature in individuals affected with RMRP-related conditions. Experimental studies and prediction algorithms are not available or were not evaluated, and the functional significance of this variant is currently unknown. In summary, the available evidence is currently insufficient to determine the role of this variant in disease. Therefore, it has been classified as a Variant of Uncertain Significance.

NC_000009.12:g.35657736T>A

Gene: RMRP (RNA component of mitochondrial RNA processing endoribonuclease; minus strand). Cytogenetic location: 9p13.3.
Variant type: single nucleotide variant.
Genome position: GRCh38 VCF-style: chr9-35657736-T-A. GRCh37 (hg19) VCF-style: chr9-35657733-T-A.
Identifiers: ClinVar variation 4766078 (VCV004766078.1).
Genomic context (GRCh38, chr9:35,657,736, plus strand): 5'-GGGAGCCTGAGGTGAGGCATCGCGTGAGCCCGGGGAGGTCGAGGCTGCAGTGAGCCGTGG[T>A]CTCGGGAACAAAAAACAGCCGCGCTGAGAATGAGCCCCGTGTGGTTGGTGCGCGGACACG-3'